The following is an entry in ClinVar:

ClinVar aggregate classification (germline): Uncertain significance (1 of 4 stars; one submission).

Conditions:
Epilepsy. Also called: Seizure disorder. Identifiers: MedGen C0014544, MeSH D004827, MONDO:0005027.

Submission:

Labcorp Genetics (formerly Invitae), Labcorp
Classification: Uncertain significance for Epilepsy. Last evaluated: 2022-01-14. Review status: criteria provided, single submitter. Criteria: Invitae Variant Classification Sherloc (09022015). Collection method: clinical testing. Allele origin: germline.
Comment: In summary, the available evidence is currently insufficient to determine the role of this variant in disease. Therefore, it has been classified as a Variant of Uncertain Significance. Algorithms developed to predict the effect of missense changes on protein structure and function are either unavailable or do not agree on the potential impact of this missense change (SIFT: "Deleterious"; PolyPhen-2: "Probably Damaging"; Align-GVGD: "Class C0"). ClinVar contains an entry for this variant (Variation ID: 665669). This variant has not been reported in the literature in individuals affected with PIGQ-related conditions. This variant is not present in population databases (gnomAD no frequency). This sequence change replaces phenylalanine, which is neutral and non-polar, with serine, which is neutral and polar, at codon 176 of the PIGQ protein (p.Phe176Ser).

NM_004204.5(PIGQ):c.527T>C (p.Phe176Ser)

Gene: PIGQ (phosphatidylinositol glycan anchor biosynthesis class Q; plus strand). Cytogenetic location: 16p13.3.
Variant type: single nucleotide variant.
Coding change: c.527T>C on transcript NM_004204.5 (MANE Select); coding-DNA position 527, T replaced by C.
Protein change: p.Phe176Ser; replaces phenylalanine 176 with serine.
Molecular consequence: missense variant.
Genome position (GRCh38, 1-based): chr16:574,601, T>C. VCF-style: chr16-574601-T-C. GRCh37 (hg19) VCF-style: chr16-624601-T-C.
Other names: c.527T>C, p.Phe176Ser (NM_148920.4); short protein forms F176S.
Identifiers: ClinVar variation 665669 (VCV000665669.8), dbSNP rs1596382723, ClinGen allele CA394048966.